The following is an entry in ClinVar:

ClinVar aggregate classification (germline): Uncertain significance (1 of 4 stars; one submission).

Conditions:
Nephronophthisis 14 (NPHP14). Identifiers: Orphanet 2318, MedGen C3539071, MONDO:0013916, OMIM 614844.

Allele frequency attached by ClinVar (database versions not stated): gnomAD exomes below 0.00001 and 0.00001; ExAC 0.00001; TOPMed 0.00001.
gnomAD v4.1: 1 of 1,614,138 alleles (0.000062%); highest among the groups gnomAD compares: Admixed American, 0.0017%; no homozygotes.

Submission:

Labcorp Genetics (formerly Invitae), Labcorp
Classification: Uncertain significance for Nephronophthisis 14. Last evaluated: 2022-06-20. Review status: criteria provided, single submitter. Criteria: Invitae Variant Classification Sherloc (09022015). Collection method: clinical testing. Allele origin: germline.
Comment: This sequence change replaces lysine, which is basic and polar, with threonine, which is neutral and polar, at codon 396 of the ZNF423 protein (p.Lys396Thr). This variant is present in population databases (rs780583844, gnomAD 0.003%). This variant has not been reported in the literature in individuals affected with ZNF423-related conditions. Algorithms developed to predict the effect of missense changes on protein structure and function are either unavailable or do not agree on the potential impact of this missense change (SIFT: "Deleterious"; PolyPhen-2: "Benign"; Align-GVGD: "Class C0"). In summary, the available evidence is currently insufficient to determine the role of this variant in disease. Therefore, it has been classified as a Variant of Uncertain Significance.

NM_001379286.1(ZNF423):c.1211A>C (p.Lys404Thr)

Gene: ZNF423 (zinc finger protein 423; minus strand). Cytogenetic location: 16q12.1.
Variant type: single nucleotide variant.
Coding change: c.1211A>C on transcript NM_001379286.1 (MANE Select); coding-DNA position 1211, A replaced by C.
Protein change: p.Lys404Thr; replaces lysine 404 with threonine.
Molecular consequence: missense variant.
Genome position (GRCh38, 1-based): chr16:49,637,965, T>G on the plus strand (A>C on the coding strand, the complement: ZNF423 is on the minus strand). VCF-style: chr16-49637965-T-G. GRCh37 (hg19) VCF-style: chr16-49671876-T-G.
Other names: c.1007A>C, p.Lys336Thr (NM_001271620.2); c.836A>C, p.Lys279Thr (NM_001330533.2); c.1187A>C, p.Lys396Thr (NM_015069.5); short protein forms K336T, K404T, K396T, K279T.
Identifiers: ClinVar variation 1439647 (VCV001439647.8), dbSNP rs780583844, ClinGen allele CA8046730.